The following is an entry in ClinVar:

ClinVar aggregate classification (germline): Likely benign. Review status: criteria provided, multiple submitters, no conflicts (2 of 4 stars). 4 submissions from 4 submitters: Likely benign (4). Last evaluated 2025-05-11.

Conditions:
Cardiovascular phenotype. Identifiers: MedGen CN230736.
Dilated cardiomyopathy 1DD (CMD1DD). Identifiers: Orphanet 154, MedGen C2750995, MONDO:0013168, OMIM 613172.

Allele frequency attached by ClinVar (database versions not stated): gnomAD exomes 0.00001 and 0.00007; gnomAD 0.00003; TOPMed 0.00005.
gnomAD v4.1: 97 of 1,550,804 alleles (0.0063%); highest among the groups gnomAD compares: Non-Finnish European, 0.008%; no homozygotes.

Submissions (4):

Labcorp Genetics (formerly Invitae), Labcorp
Classification: Likely benign for Dilated cardiomyopathy 1DD. Last evaluated: 2025-05-11. Review status: criteria provided, single submitter. Criteria: Invitae Variant Classification Sherloc (09022015). Collection method: clinical testing. Allele origin: germline.

Blueprint Genetics
Classification: Likely benign. Last evaluated: 2024-08-15. Review status: criteria provided, single submitter. Criteria: ACMG Guidelines, 2015. Collection method: clinical testing. Allele origin: germline.

Ambry Genetics
Classification: Likely benign for Cardiovascular phenotype. Last evaluated: 2015-12-11. Review status: criteria provided, single submitter. Criteria: Ambry Variant Classification Scheme 2023. Collection method: clinical testing. Allele origin: germline.

Laboratory for Molecular Medicine, Mass General Brigham Personalized Medicine
Classification: Likely benign. Last evaluated: 2012-04-11. Review status: criteria provided, single submitter. Criteria: LMM Criteria. Collection method: clinical testing. Allele origin: germline. Observed: 1 variant allele.
Comment: Asp888Asp in exon 11 of RMB20: This variant is not expected to have clinical sig nificance because it does not alter an amino acid residue and is not located wit hin the splice consensus sequence. Asp888Asp in exon 11 of RMB20 (allele freque ncy = n/a)

NM_001134363.3(RBM20):c.2664T>C (p.Asp888=)

Gene: RBM20 (RNA binding motif protein 20; plus strand). Cytogenetic location: 10q25.2.
Variant type: single nucleotide variant.
Coding change: c.2664T>C on transcript NM_001134363.3 (MANE Select); coding-DNA position 2664, T replaced by C.
Protein change: p.Asp888=; no amino-acid change (aspartic acid 888 retained).
Molecular consequence: synonymous variant.
Genome position (GRCh38, 1-based): chr10:110,821,283, T>C. VCF-style: chr10-110821283-T-C. GRCh37 (hg19) VCF-style: chr10-112581041-T-C.
Identifiers: ClinVar variation 43996 (VCV000043996.20), dbSNP rs397516605, ClinGen allele CA133332.